The following continues an entry in ClinVar:

NM_000038.6(APC):c.1589T>C (p.Val530Ala)

Gene: APC. ClinVar aggregate classification (germline): Conflicting classifications of pathogenicity. Uncertain significance (12); Likely benign (4).

Submissions 11 to 16 of 16:

Blueprint Genetics
Classification: Uncertain significance. Last evaluated: 2023-03-07. Review status: criteria provided, single submitter. Criteria: ACMG Guidelines, 2015. Collection method: clinical testing. Allele origin: germline.

Sema4
Classification: Uncertain significance for Hereditary cancer-predisposing syndrome. Last evaluated: 2021-08-25. Review status: criteria provided, single submitter. Criteria: Sema4 Curation Guidelines. Collection method: curation. Allele origin: germline.
Comment: The APC c.1589T>C (p.V530A) variant has been reported in heterozygosity in at least one individual with colorectal cancer, at least one individual with familial adenomatous polyposis (FAP), at least one individual with multiple colorectal adenomas, and at least one individual with suspected FAP (PMID: 28135145, 23159591, 22976915, 22773231). It was observed in 7/113262 chromosomes of the Non-Finnish European subpopulation in the large and broad cohorts of the Genome Aggregation Database (PMID: 32461654). This variant has been reported in ClinVar (Variation ID: 219535). In silico tools suggest the impact of the variant on protein function is deleterious, though these predictions have not been confirmed by functional studies. The evidence is insufficient to meet ACMG/AMP criteria for classifying the variant as benign or pathogenic. Thus, the clinical significance of this variant is currently uncertain.

Ambry Genetics
Classification: Likely benign for Hereditary cancer-predisposing syndrome. Last evaluated: 2020-02-21. Review status: criteria provided, single submitter. Criteria: Ambry Variant Classification Scheme 2023. Collection method: clinical testing. Allele origin: germline.

GeneKor MSA
Classification: Uncertain significance for Hereditary cancer-predisposing syndrome. Last evaluated: 2018-08-01. Review status: criteria provided, single submitter. Criteria: ACMG Guidelines, 2015. Collection method: clinical testing. Allele origin: germline. Affected: no.

Mendelics
Classification: Uncertain significance for Familial adenomatous polyposis 1. Last evaluated: 2018-07-02. Review status: criteria provided, single submitter. Criteria: Mendelics Assertion Criteria 2017. Collection method: clinical testing. Allele origin: unknown.

Laboratory for Molecular Medicine, Mass General Brigham Personalized Medicine
Classification: Uncertain significance. Last evaluated: 2016-12-02. Review status: criteria provided, single submitter. Criteria: LMM Criteria. Collection method: clinical testing. Allele origin: germline. Observed: 2 variant alleles.
Comment: The p.Val530Ala variant in APC has been reported in three individuals: 1 with a ttenuated familial adenomatous polyposis (AFAP; de Leon 2013), 1 with multiple colorectal adenomas (Urso 2013), and 1 with suspected FAP (Kerr 2013). This vari ant has also been identified in 3/66436 of European chromosomes by the Exome Agg regation Consortium (ExAC; dbSNP rs202199891). C omputational prediction tools and conservation analysis suggest that the p.Val53 0Ala variant may impact the protein, though this information is not predictive e nough to determine pathogenicity. In summary, the clinical significance of the p .Val530Ala variant is uncertain.

Literature cited by the submitters: PubMed 23159591 (cited by 7 submitters); PubMed 22976915 (cited by 7 submitters); PubMed 28135145 (cited by 5 submitters); PubMed 22773231 (cited by 6 submitters); PubMed 36360190 (cited by Quest Diagnostics Nichols Institute San Juan Capistrano); PubMed 31159747 (cited by Quest Diagnostics Nichols Institute San Juan Capistrano and Ambry Genetics); PubMed 31486992 (cited by Quest Diagnostics Nichols Institute San Juan Capistrano and Ambry Genetics).